The following is an entry in ClinVar:

ClinVar aggregate classification (germline): Uncertain significance (1 of 4 stars; one submission).

Conditions:
Welander distal myopathy (WDM). Also called: Gower's muscular dystrophy; MUSCULAR DYSTROPHY, DISTAL, LATE-ONSET, AUTOSOMAL DOMINANT; Welander distal myopathy, Swedish type; Distal myopathy, Swedish type. Identifiers: Orphanet 603, MedGen C0221054, MONDO:0011466, OMIM 604454.

Submission:

Labcorp Genetics (formerly Invitae), Labcorp
Classification: Uncertain significance for Welander distal myopathy. Last evaluated: 2024-02-24. Review status: criteria provided, single submitter. Criteria: Invitae Variant Classification Sherloc (09022015). Collection method: clinical testing. Allele origin: germline.
Comment: This sequence change replaces phenylalanine, which is neutral and non-polar, with cysteine, which is neutral and slightly polar, at codon 253 of the TIA1 protein (p.Phe253Cys). This variant is not present in population databases (gnomAD no frequency). This variant has not been reported in the literature in individuals affected with TIA1-related conditions. ClinVar contains an entry for this variant (Variation ID: 2010589). Advanced modeling of protein sequence and biophysical properties (such as structural, functional, and spatial information, amino acid conservation, physicochemical variation, residue mobility, and thermodynamic stability) performed at Invitae indicates that this missense variant is expected to disrupt TIA1 protein function with a positive predictive value of 80%. In summary, the available evidence is currently insufficient to determine the role of this variant in disease. Therefore, it has been classified as a Variant of Uncertain Significance.

NM_022173.4(TIA1):c.758T>G (p.Phe253Cys)

Gene: TIA1 (TIA1 cytotoxic granule associated RNA binding protein; minus strand). Cytogenetic location: 2p13.3.
Variant type: single nucleotide variant.
Coding change: c.758T>G on transcript NM_022173.4 (MANE Select); coding-DNA position 758, T replaced by G.
Protein change: p.Phe253Cys; replaces phenylalanine 253 with cysteine.
Molecular consequence: missense variant. On other transcripts: non-coding transcript variant (17).
Genome position (GRCh38, 1-based): chr2:70,216,214, A>C on the plus strand (T>G on the coding strand, the complement: TIA1 is on the minus strand). VCF-style: chr2-70216214-A-C. GRCh37 (hg19) VCF-style: chr2-70443346-A-C.
Other names: c.758T>G, p.Phe253Cys (NM_001351508.2, NM_001351516.2); c.731T>G, p.Phe244Cys (NM_001351509.2); c.725T>G, p.Phe242Cys (NM_001351510.2, NM_022037.4); c.647T>G, p.Phe216Cys (NM_001351511.1); c.620T>G, p.Phe207Cys (NM_001351512.1); c.614T>G, p.Phe205Cys (NM_001351513.1); c.530T>G, p.Phe177Cys (NM_001351514.2); c.455T>G, p.Phe152Cys (NM_001351515.2); and 1 more; short protein forms F177C, F205C, F242C, F113C, F244C, F152C, F207C, F216C.
Identifiers: ClinVar variation 2010589 (VCV002010589.4), dbSNP rs1336235942, ClinGen allele CA347151930.